The following is an entry in ClinVar:

ClinVar aggregate classification (germline): Uncertain significance. Review status: criteria provided, multiple submitters, no conflicts (2 of 4 stars). 2 submissions from 2 submitters: Uncertain significance (2). Last evaluated 2024-01-15.

Conditions:
Hereditary cancer-predisposing syndrome. Also called: Tumor predisposition; Hereditary Cancer Syndrome; Hereditary neoplastic syndrome; Neoplastic Syndromes, Hereditary. Identifiers: Orphanet 140162, MedGen C0027672, MeSH D009386, MONDO:0015356.
Familial cancer of breast. Also called: BREAST CANCER, FAMILIAL; Hereditary breast cancer; hereditary breast carcinoma. Identifiers: Orphanet 227535, MedGen C0346153, MONDO:0016419, OMIM 114480. Disease mechanism: loss of function.

Submissions (2):

Baylor Genetics
Classification: Uncertain significance for Familial cancer of breast. Last evaluated: 2024-01-15. Review status: criteria provided, single submitter. Criteria: ACMG Guidelines, 2015. Collection method: clinical testing. Allele origin: unknown.

Ambry Genetics
Classification: Uncertain significance for Hereditary cancer-predisposing syndrome. Last evaluated: 2023-09-14. Review status: criteria provided, single submitter. Criteria: Ambry Variant Classification Scheme 2023. Collection method: clinical testing. Allele origin: germline.
Comment: The p.K148E variant (also known as c.442A>G), located in coding exon 4 of the PALB2 gene, results from an A to G substitution at nucleotide position 442. The lysine at codon 148 is replaced by glutamic acid, an amino acid with similar properties. This amino acid position is conserved. In addition, this alteration is predicted to be tolerated by in silico analysis. Since supporting evidence is limited at this time, the clinical significance of this alteration remains unclear.

NM_024675.4(PALB2):c.442A>G (p.Lys148Glu)

Gene: PALB2 (partner and localizer of BRCA2; minus strand). Cytogenetic location: 16p12.2.
Variant type: single nucleotide variant.
Coding change: c.442A>G on transcript NM_024675.4 (MANE Select); coding-DNA position 442, A replaced by G.
Protein change: p.Lys148Glu; replaces lysine 148 with glutamic acid.
Molecular consequence: missense variant. On other transcripts: 5 prime UTR variant (8), intron variant (3).
Genome position (GRCh38, 1-based): chr16:23,636,104, T>C on the plus strand (A>G on the coding strand, the complement: PALB2 is on the minus strand). VCF-style: chr16-23636104-T-C. GRCh37 (hg19) VCF-style: chr16-23647425-T-C.
Other names: c.382A>G, p.Lys128Glu (NM_001407296.1); c.442A>G, p.Lys148Glu (NM_001407297.1, NM_001407298.1, NM_001407299.1 and 3 more transcripts); c.-444A>G (NM_001407304.1, NM_001407305.1, NM_001407306.1 and 5 more transcripts); c.48+5006A>G (NM_001407314.1); c.-105+5006A>G (NM_001407313.1, NM_001407312.1); short protein forms K148E, K128E.
Identifiers: ClinVar variation 2587422 (VCV002587422.3), dbSNP rs2142443334, ClinGen allele CA395137255.